The following is an entry in ClinVar:

NM_000548.5(TSC2):c.1975A>G (p.Thr659Ala)

Gene: TSC2 (TSC complex subunit 2; plus strand). Cytogenetic location: 16p13.3.
Variant type: single nucleotide variant.
Coding change: c.1975A>G on transcript NM_000548.5 (MANE Select); coding-DNA position 1975, A replaced by G.
Protein change: p.Thr659Ala; replaces threonine 659 with alanine.
Molecular consequence: missense variant.
Genome position (GRCh38, 1-based): chr16:2,071,812, A>G. VCF-style: chr16-2071812-A-G. GRCh37 (hg19) VCF-style: chr16-2121813-A-G.
Other names: c.1975A>G, p.Thr659Ala (NM_001370405.1, NM_021055.3, NM_001077183.3 and 3 more transcripts); c.1864A>G, p.Thr622Ala (NM_001318827.2); c.1828A>G, p.Thr610Ala (NM_001318829.2); c.1375A>G, p.Thr459Ala (NM_001318831.2); c.2008A>G, p.Thr670Ala (NM_001318832.2); short protein forms T459A, T659A, T622A, T670A, T610A.
Identifiers: ClinVar variation 1039176 (VCV001039176.8), dbSNP rs1398495219, ClinGen allele CA394274355.

ClinVar aggregate classification (germline): Uncertain significance (1 of 4 stars; one submission).

Conditions:
Tuberous sclerosis 2 (TSC2). Identifiers: Orphanet 805, MedGen C1860707, MONDO:0013199, OMIM 613254.

Submission:

Labcorp Genetics (formerly Invitae), Labcorp
Classification: Uncertain significance for Tuberous sclerosis 2. Last evaluated: 2022-05-27. Review status: criteria provided, single submitter. Criteria: Invitae Variant Classification Sherloc (09022015). Collection method: clinical testing. Allele origin: germline.
Comment: This sequence change replaces threonine, which is neutral and polar, with alanine, which is neutral and non-polar, at codon 659 of the TSC2 protein (p.Thr659Ala). In summary, the available evidence is currently insufficient to determine the role of this variant in disease. Therefore, it has been classified as a Variant of Uncertain Significance. Advanced modeling of protein sequence and biophysical properties (such as structural, functional, and spatial information, amino acid conservation, physicochemical variation, residue mobility, and thermodynamic stability) performed at Invitae indicates that this missense variant is not expected to disrupt TSC2 protein function. ClinVar contains an entry for this variant (Variation ID: 1039176). This variant has not been reported in the literature in individuals affected with TSC2-related conditions. This variant is not present in population databases (gnomAD no frequency).